The following is an entry in ClinVar:

ClinVar aggregate classification (germline): Uncertain significance (1 of 4 stars; one submission).

Submission:

GeneDx
Classification: Uncertain significance. Last evaluated: 2026-03-23. Review status: criteria provided, single submitter. Criteria: GeneDx Variant Classification Process June 2021. Collection method: clinical testing. Allele origin: germline.
Comment: Not observed at significant frequency in large population cohorts (gnomAD); In silico analysis suggests that this missense variant does not alter protein structure/function; Has not been previously published as pathogenic or benign to our knowledge

NM_001378452.1(ITPR1):c.4297A>C (p.Ile1433Leu)

Gene: ITPR1 (inositol 1,4,5-trisphosphate receptor type 1; plus strand). Cytogenetic location: 3p26.1.
Variant type: single nucleotide variant.
Coding change: c.4297A>C on transcript NM_001378452.1 (MANE Select); coding-DNA position 4297, A replaced by C.
Protein change: p.Ile1433Leu; replaces isoleucine 1433 with leucine.
Molecular consequence: missense variant.
Genome position (GRCh38, 1-based): chr3:4,697,162, A>C. VCF-style: chr3-4697162-A-C. GRCh37 (hg19) VCF-style: chr3-4738846-A-C.
Other names: c.4270A>C, p.Ile1424Leu (NM_001099952.4); c.4252A>C, p.Ile1418Leu (NM_001168272.2); c.4225A>C, p.Ile1409Leu (NM_002222.7); short protein forms I1409L, I1418L, I1424L, I1433L.
Identifiers: ClinVar variation 5017250 (VCV005017250.1).